The following is an entry in ClinVar:

NM_001042545.2(LTBP4):c.942T>A (p.Cys314Ter)

Genes: LTBP4 (latent transforming growth factor beta binding protein 4; plus strand), LOC121627876 (Sharpr-MPRA regulatory region 12022; plus strand). Cytogenetic location: 19q13.2.
Variant type: single nucleotide variant.
Coding change: c.942T>A on transcript NM_001042545.2 (MANE Select); coding-DNA position 942, T replaced by A.
Protein change: p.Cys314Ter; replaces cysteine 314 with a stop codon.
Molecular consequence: nonsense.
Genome position (GRCh38, 1-based): chr19:40,606,477, T>A. VCF-style: chr19-40606477-T-A. GRCh37 (hg19) VCF-style: chr19-41112383-T-A.
Other names: c.1143T>A, p.Cys381Ter (NM_001042544.1); c.1032T>A, p.Cys344Ter (NM_003573.2); short protein forms C344*, C381*, C314*.
Identifiers: ClinVar variation 2901977 (VCV002901977.6), dbSNP rs1286740150, ClinGen allele CA405934822.

ClinVar aggregate classification (germline): Pathogenic/Likely pathogenic. Review status: criteria provided, multiple submitters, no conflicts (2 of 4 stars). 3 submissions from 3 submitters: Pathogenic (1); Likely pathogenic (1). 1 of the submissions does not count toward it. Last evaluated 2024-08-28.

Conditions:
LTBP4-related disorder. Also called: LTBP4-related condition.

Allele frequency attached by ClinVar (database versions not stated): gnomAD exomes below 0.00001; TOPMed below 0.00001.
gnomAD v4.1: 1 of 1,581,252 alleles (0.000063%); highest among the groups gnomAD compares: Non-Finnish European, 0.000086%; no homozygotes.

Submissions (3):

Labcorp Genetics (formerly Invitae), Labcorp
Classification: Pathogenic. Last evaluated: 2024-08-28. Review status: criteria provided, single submitter. Criteria: Invitae Variant Classification Sherloc (09022015). Collection method: clinical testing. Allele origin: germline.
Comment: This sequence change creates a premature translational stop signal (p.Cys344*) in the LTBP4 gene. It is expected to result in an absent or disrupted protein product. Loss-of-function variants in LTBP4 are known to be pathogenic (PMID: 19836010, 22829427). This variant is not present in population databases (gnomAD no frequency). This variant has not been reported in the literature in individuals affected with LTBP4-related conditions. Algorithms developed to predict the effect of sequence changes on RNA splicing suggest that this variant may disrupt the consensus splice site. For these reasons, this variant has been classified as Pathogenic.

Blueprint Genetics
Classification: Likely pathogenic for LTBP4-related disorders. Last evaluated: 2019-10-17. Review status: criteria provided, single submitter. Criteria: ACMG Guidelines, 2015. Collection method: clinical testing. Allele origin: germline. Affected: yes. Observed: 1 variant allele.

PreventionGenetics, part of Exact Sciences
Classification: Likely pathogenic for LTBP4-related condition. Last evaluated: 2023-12-07. Review status: no assertion criteria provided. Collection method: clinical testing. Allele origin: germline. Not counted in ClinVar's aggregate classification.
Comment: The LTBP4 c.1032T>A variant is predicted to result in premature protein termination (p.Cys344*). To our knowledge, this variant has not been reported in the literature or in a large population database, indicating this variant is rare. Nonsense variants in LTBP4 are expected to be pathogenic. This variant is interpreted as likely pathogenic.

Literature cited by the submitters: PubMed 19836010 (cited by Labcorp Genetics (formerly Invitae), Labcorp); PubMed 22829427 (cited by Labcorp Genetics (formerly Invitae), Labcorp).